The following is an entry in ClinVar:

ClinVar aggregate classification (germline): Uncertain significance. Review status: criteria provided, multiple submitters, no conflicts (2 of 4 stars). 2 submissions from 2 submitters: Uncertain significance (2). Last evaluated 2025-07-18.

Conditions:
Fanconi anemia (FA). Also called: Fanconi's anemia. Identifiers: Orphanet 84, MedGen C0015625, MeSH D005199, MONDO:0019391.
Inborn genetic diseases. Identifiers: MedGen C0950123, MeSH D030342.

gnomAD v4.1: 1 of 1,614,158 alleles (0.000062%); highest among the groups gnomAD compares: Non-Finnish European, 0.000085%; no homozygotes.

Submissions (2):

Ambry Genetics
Classification: Uncertain significance for Inborn genetic diseases. Last evaluated: 2025-07-18. Review status: criteria provided, single submitter. Criteria: Ambry Variant Classification Scheme 2023. Collection method: clinical testing. Allele origin: germline.
Comment: The p.Q1072H variant (also known as c.3216G>C), located in coding exon 32 of the FANCA gene, results from a G to C substitution at nucleotide position 3216. The glutamine at codon 1072 is replaced by histidine, an amino acid with highly similar properties. This amino acid position is conserved. In addition, this alteration is predicted to be tolerated by in silico analysis. Based on the available evidence, the clinical significance of this variant remains unclear.

Labcorp Genetics (formerly Invitae), Labcorp
Classification: Uncertain significance for Fanconi anemia. Last evaluated: 2022-02-11. Review status: criteria provided, single submitter. Criteria: Invitae Variant Classification Sherloc (09022015). Collection method: clinical testing. Allele origin: germline.
Comment: This sequence change replaces glutamine, which is neutral and polar, with histidine, which is basic and polar, at codon 1072 of the FANCA protein (p.Gln1072His). This variant is not present in population databases (gnomAD no frequency). This variant has not been reported in the literature in individuals affected with FANCA-related conditions. Advanced modeling of protein sequence and biophysical properties (such as structural, functional, and spatial information, amino acid conservation, physicochemical variation, residue mobility, and thermodynamic stability) performed at Invitae indicates that this missense variant is not expected to disrupt FANCA protein function. In summary, the available evidence is currently insufficient to determine the role of this variant in disease. Therefore, it has been classified as a Variant of Uncertain Significance.

NM_000135.4(FANCA):c.3216G>C (p.Gln1072His)

Gene: FANCA (FA complementation group A; minus strand). Cytogenetic location: 16q24.3.
Variant type: single nucleotide variant.
Coding change: c.3216G>C on transcript NM_000135.4 (MANE Select); coding-DNA position 3216, G replaced by C.
Protein change: p.Gln1072His; replaces glutamine 1072 with histidine.
Molecular consequence: missense variant.
Genome position (GRCh38, 1-based): chr16:89,749,753, C>G on the plus strand (G>C on the coding strand, the complement: FANCA is on the minus strand). VCF-style: chr16-89749753-C-G. GRCh37 (hg19) VCF-style: chr16-89816161-C-G.
Other names: c.3216G>C, p.Gln1072His (NM_001286167.3); c.3216G>C (NM_000135.2); short protein forms Q1072H.
Identifiers: ClinVar variation 1378631 (VCV001378631.6), dbSNP rs753298211, ClinGen allele CA397486465.